The following is an entry in ClinVar:

NM_014423.4(AFF4):c.95C>G (p.Ser32Cys)

Gene: AFF4 (ALF transcription elongation factor 4; minus strand). Cytogenetic location: 5q31.1.
Variant type: single nucleotide variant.
Coding change: c.95C>G on transcript NM_014423.4 (MANE Select); coding-DNA position 95, C replaced by G.
Protein change: p.Ser32Cys; replaces serine 32 with cysteine.
Molecular consequence: missense variant.
Genome position (GRCh38, 1-based): chr5:132,937,095, G>C on the plus strand (C>G on the coding strand, the complement: AFF4 is on the minus strand). VCF-style: chr5-132937095-G-C. GRCh37 (hg19) VCF-style: chr5-132272787-G-C.
Other names: short protein forms S32C.
Identifiers: ClinVar variation 2723870 (VCV002723870.3), dbSNP rs756851918, ClinGen allele CA3409513.

ClinVar aggregate classification (germline): Uncertain significance (1 of 4 stars; one submission).

Conditions:
Cognitive impairment - coarse facies - heart defects - obesity - pulmonary involvement - short stature - skeletal dysplasia syndrome. Also called: AFF4-Related CHOPS Syndrome; COGNITIVE IMPAIRMENT, COARSE FACIES, HEART DEFECTS, OBESITY, PULMONARY INVOLVEMENT, SHORT STATURE, AND SKELETAL DYSPLASIA; Chops syndrome. Identifiers: Orphanet 444077, MedGen C4085597, MONDO:0014609, OMIM 616368.

Allele frequency attached by ClinVar (database versions not stated): ExAC 0.00001.
gnomAD v4.1: 7 of 1,613,712 alleles (0.00043%); highest among the groups gnomAD compares: Admixed American, 0.0017%; no homozygotes.

Submission:

Labcorp Genetics (formerly Invitae), Labcorp
Classification: Uncertain significance for Cognitive impairment - coarse facies - heart defects - obesity - pulmonary involvement - short stature - skeletal dysplasia syndrome. Last evaluated: 2022-11-01. Review status: criteria provided, single submitter. Criteria: Invitae Variant Classification Sherloc (09022015). Collection method: clinical testing. Allele origin: germline.
Comment: This variant has not been reported in the literature in individuals affected with AFF4-related conditions. Algorithms developed to predict the effect of missense changes on protein structure and function (SIFT, PolyPhen-2, Align-GVGD) all suggest that this variant is likely to be disruptive. In summary, the available evidence is currently insufficient to determine the role of this variant in disease. Therefore, it has been classified as a Variant of Uncertain Significance. This sequence change replaces serine, which is neutral and polar, with cysteine, which is neutral and slightly polar, at codon 32 of the AFF4 protein (p.Ser32Cys). This variant is present in population databases (rs756851918, gnomAD 0.003%).